The following is an entry in ClinVar:

NM_001127644.2(GABRA1):c.255+1G>A

Gene: GABRA1 (gamma-aminobutyric acid type A receptor subunit alpha1; plus strand). Cytogenetic location: 5q34.
Variant type: single nucleotide variant.
Coding change: c.255+1G>A on transcript NM_001127644.2 (MANE Select); the canonical splice donor site of the intron after coding-DNA position 255, G replaced by A.
Molecular consequence: splice donor variant.
Genome position (GRCh38, 1-based): chr5:161,865,789, G>A. VCF-style: chr5-161865789-G-A. GRCh37 (hg19) VCF-style: chr5-161292795-G-A.
Other names: c.255+1G>A (NM_000806.5, NM_001127643.2, NM_001127645.2 and 1 more transcripts).
Identifiers: ClinVar variation 4620533 (VCV004620533.1).

ClinVar aggregate classification (germline): Pathogenic (1 of 4 stars; one submission).

Conditions:
Inborn genetic diseases. Identifiers: MedGen C0950123, MeSH D030342.

Submission:

Ambry Genetics
Classification: Pathogenic for Inborn genetic diseases. Last evaluated: 2025-11-03. Review status: criteria provided, single submitter. Criteria: Ambry Variant Classification Scheme 2023. Collection method: clinical testing. Allele origin: germline.
Comment: The c.255+1G>A intronic variant consists of a G to A substitution one nucleotide after exon 4 (coding exon 3) of the GABRA1 gene. Alterations that disrupt the canonical splice site are expected to cause aberrant splicing, resulting in an abnormal protein or a transcript that is subject to nonsense-mediated mRNA decay. This variant was not reported in population-based cohorts in the Genome Aggregation Database (gnomAD). This nucleotide position is highly conserved in available vertebrate species. In silico splice site analysis predicts that this alteration will weaken the native splice donor site. Based on the available evidence, this alteration is classified as pathogenic.